The following is an entry in ClinVar:

NM_021072.4(HCN1):c.1145G>C (p.Gly382Ala)

Gene: HCN1 (hyperpolarization activated cyclic nucleotide gated potassium channel 1; minus strand). Cytogenetic location: 5p12.
Variant type: single nucleotide variant.
Coding change: c.1145G>C on transcript NM_021072.4 (MANE Select); coding-DNA position 1145, G replaced by C.
Protein change: p.Gly382Ala; replaces glycine 382 with alanine.
Molecular consequence: missense variant.
Genome position (GRCh38, 1-based): chr5:45,396,577, C>G on the plus strand (G>C on the coding strand, the complement: HCN1 is on the minus strand). VCF-style: chr5-45396577-C-G. GRCh37 (hg19) VCF-style: chr5-45396679-C-G.
Other names: short protein forms G382A.
Identifiers: ClinVar variation 1061411 (VCV001061411.10), dbSNP rs1579867065, ClinGen allele CA359705325.

ClinVar aggregate classification (germline): Uncertain significance (1 of 4 stars; one submission).

Conditions:
Early-infantile DEE. Also called: Ohtahara syndrome; Early infantile epileptic encephalopathy with suppression bursts; Early infantile epileptic encephalopathy. Identifiers: Orphanet 1934, MedGen C0393706, MONDO:0800491.

Submission:

Labcorp Genetics (formerly Invitae), Labcorp
Classification: Uncertain significance for Early-infantile DEE. Last evaluated: 2023-02-10. Review status: criteria provided, single submitter. Criteria: Invitae Variant Classification Sherloc (09022015). Collection method: clinical testing. Allele origin: germline.
Comment: ClinVar contains an entry for this variant (Variation ID: 1061411). This variant has not been reported in the literature in individuals affected with HCN1-related conditions. This variant is not present in population databases (gnomAD no frequency). This sequence change replaces glycine, which is neutral and non-polar, with alanine, which is neutral and non-polar, at codon 382 of the HCN1 protein (p.Gly382Ala). Advanced modeling of protein sequence and biophysical properties (such as structural, functional, and spatial information, amino acid conservation, physicochemical variation, residue mobility, and thermodynamic stability) performed at Invitae indicates that this missense variant is expected to disrupt HCN1 protein function. In summary, the available evidence is currently insufficient to determine the role of this variant in disease. Therefore, it has been classified as a Variant of Uncertain Significance.